The following is an entry in ClinVar:

ClinVar aggregate classification (germline): Likely benign. Review status: criteria provided, single submitter (1 of 4 stars). 2 submissions from 2 submitters: Likely benign (1). 1 of the submissions does not count toward it. Last evaluated 2021-02-04.

Conditions:
Hypertrophic cardiomyopathy 2. Also called: TNNT2-Related Familial Hypertrophic Cardiomyopathy. Identifiers: MedGen C1861864, MONDO:0007266, OMIM 115195.
Dilated cardiomyopathy 1D. Identifiers: Orphanet 154, Orphanet 54260, MedGen C1832243, MONDO:0011095, OMIM 601494.
Cardiomyopathy, familial restrictive, 3. Identifiers: Orphanet 75249, MedGen C2676271, MONDO:0012900, OMIM 612422.
Dilated cardiomyopathy 1DD (CMD1DD). Identifiers: Orphanet 154, MedGen C2750995, MONDO:0013168, OMIM 613172.

Allele frequency attached by ClinVar (database versions not stated): gnomAD exomes below 0.00001; TOPMed 0.00001.
gnomAD v4.1: 2 of 1,467,494 alleles (0.00014%); highest among the groups gnomAD compares: African/African-American, 0.0014%; no homozygotes.

Submissions (2):

Labcorp Genetics (formerly Invitae), Labcorp
Classification: Likely benign for Cardiomyopathy, familial restrictive, 3; Hypertrophic cardiomyopathy 2; Dilated cardiomyopathy 1D. Last evaluated: 2021-02-04. Review status: criteria provided, single submitter. Criteria: Invitae Variant Classification Sherloc (09022015). Collection method: clinical testing. Allele origin: germline.

Evolutionary and Medical Genetics Laboratory,  Centre for Cellular and Molecular Biology
Classification: Uncertain significance. Review status: no assertion criteria provided. Collection method: not provided. Allele origin: unknown. Not counted in ClinVar's aggregate classification.
ClinVar note: Converted during submission from unknown to Uncertain significance.

NM_001276345.2(TNNT2):c.490-69C>T

Gene: TNNT2 (troponin T2, cardiac type; minus strand). Cytogenetic location: 1q32.1.
Variant type: single nucleotide variant.
Coding change: c.490-69C>T on transcript NM_001276345.2 (MANE Select); 69 bases into the intron before coding-DNA position 490, C replaced by T.
Molecular consequence: intron variant.
Genome position (GRCh38, 1-based): chr1:201,363,475, G>A on the plus strand (C>T on the coding strand, the complement: TNNT2 is on the minus strand). VCF-style: chr1-201363475-G-A. GRCh37 (hg19) VCF-style: chr1-201332603-G-A.
Other names: c.445-69C>T (NM_001001432.3); c.460-69C>T (NM_001001431.3, NM_001001430.3, NM_001276347.2); c.370-69C>T (NM_001276346.2); c.490-69C>T (NM_000364.4).
Identifiers: ClinVar variation 132942 (VCV000132942.9), dbSNP rs483352834, ClinGen allele CA004612.